The following is an entry in ClinVar:

ClinVar aggregate classification (germline): Uncertain significance (1 of 4 stars; one submission).

Conditions:
Baller-Gerold syndrome (BGS). Also called: CRANIOSYNOSTOSIS WITH RADIAL DEFECTS. Identifiers: Orphanet 1225, MedGen C0265308, MONDO:0009039, OMIM 218600.

Submission:

Labcorp Genetics (formerly Invitae), Labcorp
Classification: Uncertain significance for Baller-Gerold syndrome. Last evaluated: 2022-03-08. Review status: criteria provided, single submitter. Criteria: Invitae Variant Classification Sherloc (09022015). Collection method: clinical testing. Allele origin: germline.
Comment: This sequence change replaces phenylalanine, which is neutral and non-polar, with leucine, which is neutral and non-polar, at codon 850 of the RECQL4 protein (p.Phe850Leu). This variant is not present in population databases (gnomAD no frequency). This variant has not been reported in the literature in individuals affected with RECQL4-related conditions. ClinVar contains an entry for this variant (Variation ID: 841925). In summary, the available evidence is currently insufficient to determine the role of this variant in disease. Therefore, it has been classified as a Variant of Uncertain Significance.

NM_004260.4(RECQL4):c.2550C>G (p.Phe850Leu)

Gene: RECQL4 (RecQ like helicase 4; minus strand). Cytogenetic location: 8q24.3.
Variant type: single nucleotide variant.
Coding change: c.2550C>G on transcript NM_004260.4 (MANE Select); coding-DNA position 2550, C replaced by G.
Protein change: p.Phe850Leu; replaces phenylalanine 850 with leucine.
Molecular consequence: missense variant.
Genome position (GRCh38, 1-based): chr8:144,513,052, G>C on the plus strand (C>G on the coding strand, the complement: RECQL4 is on the minus strand). VCF-style: chr8-144513052-G-C. GRCh37 (hg19) VCF-style: chr8-145738435-G-C.
Other names: short protein forms F850L.
Identifiers: ClinVar variation 841925 (VCV000841925.6), dbSNP rs1363197248, ClinGen allele CA372677074.